The following is an entry in ClinVar:

NM_198253.3(TERT):c.2461_2462del (p.Arg821fs)

Gene: TERT (telomerase reverse transcriptase; minus strand). Cytogenetic location: 5p15.33.
Variant type: Deletion.
Coding change: c.2461_2462del on transcript NM_198253.3 (MANE Select); coding-DNA positions 2461 to 2462, 2 bases deleted (AG; older notation c.2461_2462delAG).
Protein change: p.Arg821fs; shifts the reading frame from arginine 821.
Molecular consequence: frameshift variant.
Genome position (GRCh38, 1-based): chr5:1,271,125-1,271,126, CT deleted on the plus strand (AG on the coding strand, the reverse complement: TERT is on the minus strand). VCF-style (leftmost placement, unchanged base first): chr5-1271124-CCT-C. GRCh37 (hg19) VCF-style: chr5-1271239-CCT-C.
Other names: c.2461_2462del, p.Arg821fs (NM_001193376.3); c.2461_2462delAG, p.Arg821Glyfs (NM_003219.1); short protein forms R821fs.
Identifiers: ClinVar variation 2163993 (VCV002163993.4), dbSNP rs939986376, ClinGen allele CA112943698.
Genomic context (GRCh38, chr5:1,271,124, plus strand): 5'-CCTGCCAGCCCGCCCAGCCACCCGCAGGGCAATGGCACCTGGCCACCTGACTCACTTGCC[CCT>C]GATGCGCACGGCGTGGTGGCACATGAAGCGTAGGAAGACGTCGAAGAGGCCACTGCTGGC-3'

ClinVar aggregate classification (germline): Pathogenic (1 of 4 stars; one submission).

Conditions:
Dyskeratosis congenita, autosomal dominant 2. Identifiers: MedGen C3151443, MONDO:0013521, OMIM 613989.
Idiopathic Pulmonary Fibrosis. Also called: Idiopathic fibrosing alveolitis, chronic form; idiopathic fibrosing alveolitis. Identifiers: Orphanet 2032, MedGen C1800706, MeSH D054990, MONDO:0800504.

Submission:

Labcorp Genetics (formerly Invitae), Labcorp
Classification: Pathogenic for Dyskeratosis congenita, autosomal dominant 2; Idiopathic Pulmonary Fibrosis. Last evaluated: 2024-07-22. Review status: criteria provided, single submitter. Criteria: Invitae Variant Classification Sherloc (09022015). Collection method: clinical testing. Allele origin: germline.
Comment: This sequence change creates a premature translational stop signal (p.Arg821Glyfs*48) in the TERT gene. It is expected to result in an absent or disrupted protein product. Loss-of-function variants in TERT are known to be pathogenic (PMID: 16247010, 17460043). This variant is not present in population databases (gnomAD no frequency). This variant has not been reported in the literature in individuals affected with TERT-related conditions. ClinVar contains an entry for this variant (Variation ID: 2163993). For these reasons, this variant has been classified as Pathogenic.

Literature cited by the submitters: PubMed 16247010; PubMed 17460043.